The following is an entry in ClinVar:

ClinVar aggregate classification (germline): Uncertain significance. Review status: criteria provided, multiple submitters, no conflicts (2 of 4 stars). 2 submissions from 2 submitters: Uncertain significance (2). Last evaluated 2024-08-15.

Conditions:
Congenital primary aphakia. Also called: ANTERIOR SEGMENT DYSGENESIS 2; Anterior segment dysgenesis 2, multiple subtypes. Identifiers: Orphanet 83461, MedGen C1853230, MONDO:0012456, OMIM 610256.
Anterior segment dysgenesis. Also called: Ocular anterior segment dysgenesis. Identifiers: Orphanet 88632, MedGen C1862839, MONDO:0019503, HP:0007700.
Cardiovascular phenotype. Identifiers: MedGen CN230736.

Allele frequency attached by ClinVar (database versions not stated): gnomAD 0.00001; TOPMed 0.00002.

Submissions (2):

Ambry Genetics
Classification: Uncertain significance for Cardiovascular phenotype. Last evaluated: 2024-08-15. Review status: criteria provided, single submitter. Criteria: Ambry Variant Classification Scheme 2023. Collection method: clinical testing. Allele origin: germline.
Comment: The p.P203Q variant (also known as c.608C>A), located in coding exon 1 of the FOXE3 gene, results from a C to A substitution at nucleotide position 608. The proline at codon 203 is replaced by glutamine, an amino acid with similar properties. This amino acid position is conserved. In addition, this alteration is predicted to be tolerated by in silico analysis. Based on the available evidence, the clinical significance of this variant remains unclear.

Labcorp Genetics (formerly Invitae), Labcorp
Classification: Uncertain significance for Anterior segment dysgenesis; Congenital primary aphakia. Last evaluated: 2024-07-03. Review status: criteria provided, single submitter. Criteria: Invitae Variant Classification Sherloc (09022015). Collection method: clinical testing. Allele origin: germline.
Comment: This sequence change replaces proline, which is neutral and non-polar, with glutamine, which is neutral and polar, at codon 203 of the FOXE3 protein (p.Pro203Gln). This variant is not present in population databases (gnomAD no frequency). This variant has not been reported in the literature in individuals affected with FOXE3-related conditions. ClinVar contains an entry for this variant (Variation ID: 861732). Advanced modeling of protein sequence and biophysical properties (such as structural, functional, and spatial information, amino acid conservation, physicochemical variation, residue mobility, and thermodynamic stability) performed at Invitae indicates that this missense variant is not expected to disrupt FOXE3 protein function with a negative predictive value of 80%. In summary, the available evidence is currently insufficient to determine the role of this variant in disease. Therefore, it has been classified as a Variant of Uncertain Significance.

NM_012186.3(FOXE3):c.608C>A (p.Pro203Gln)

Genes: FOXE3 (forkhead box E3; plus strand), LINC01389 (long independently transcribed non-coding RNA 1389; minus strand). Cytogenetic location: 1p33.
Variant type: single nucleotide variant.
Coding change: c.608C>A on transcript NM_012186.3 (MANE Select); coding-DNA position 608, C replaced by A.
Protein change: p.Pro203Gln; replaces proline 203 with glutamine.
Molecular consequence: missense variant.
Genome position (GRCh38, 1-based): chr1:47,416,923, C>A. VCF-style: chr1-47416923-C-A. GRCh37 (hg19) VCF-style: chr1-47882595-C-A.
Other names: short protein forms P203Q.
Identifiers: ClinVar variation 861732 (VCV000861732.11), dbSNP rs1646887555, ClinGen allele CA340250334.